The following is an entry in ClinVar:

NM_000051.4(ATM):c.2229A>G (p.Ser743=)

Gene: ATM (ATM serine/threonine kinase; plus strand). Cytogenetic location: 11q22.3.
Variant type: single nucleotide variant.
Coding change: c.2229A>G on transcript NM_000051.4 (MANE Select); coding-DNA position 2229, A replaced by G.
Protein change: p.Ser743=; no amino-acid change (serine 743 retained).
Molecular consequence: synonymous variant.
Genome position (GRCh38, 1-based): chr11:108,256,319, A>G. VCF-style: chr11-108256319-A-G. GRCh37 (hg19) VCF-style: chr11-108127046-A-G.
Other names: c.2229A>G, p.Ser743= (NM_001351834.2).
Identifiers: ClinVar variation 631436 (VCV000631436.14), dbSNP rs758453118, ClinGen allele CA6264966.

ClinVar aggregate classification (germline): Benign/Likely benign. Review status: criteria provided, multiple submitters, no conflicts (2 of 4 stars). 3 submissions from 3 submitters: Benign (1); Likely benign (2). Last evaluated 2024-09-02.

Conditions:
Hereditary cancer-predisposing syndrome. Also called: Hereditary Cancer Syndrome; Neoplastic Syndromes, Hereditary; Tumor predisposition; Hereditary neoplastic syndrome. Identifiers: Orphanet 140162, MedGen C0027672, MeSH D009386, MONDO:0015356.
Ataxia-telangiectasia syndrome (AT). Also called: Ataxia-telangiectasia, complementation group D; AT, COMPLEMENTATION GROUP C; Ataxia-telangiectasia; ATAXIA-TELANGIECTASIA, COMPLEMENTATION GROUP A; ATAXIA-TELANGIECTASIA, FRESNO VARIANT; LOUIS-BAR SYNDROME. Identifiers: Orphanet 100, MedGen C0004135, MONDO:0008840, OMIM 208900.
Familial cancer of breast. Also called: BREAST CANCER, FAMILIAL; hereditary breast carcinoma; Hereditary breast cancer. Identifiers: Orphanet 227535, MedGen C0346153, MONDO:0016419, OMIM 114480. Disease mechanism: loss of function.

Allele frequency attached by ClinVar (database versions not stated): gnomAD exomes below 0.00001 and 0.00001; ExAC 0.00002.
gnomAD v4.1: 3 of 1,611,024 alleles (0.00019%); highest among the groups gnomAD compares: South Asian, 0.0033%; no homozygotes.

Submissions (3):

Labcorp Genetics (formerly Invitae), Labcorp
Classification: Likely benign for Ataxia-telangiectasia syndrome. Last evaluated: 2024-09-02. Review status: criteria provided, single submitter. Criteria: Invitae Variant Classification Sherloc (09022015). Collection method: clinical testing. Allele origin: germline.

Myriad Genetics, Inc.
Classification: Benign for Familial cancer of breast. Last evaluated: 2024-05-07. Review status: criteria provided, single submitter. Criteria: Myriad Autosomal Dominant, Autosomal Recessive and X-Linked Classification Criteria (2023). Collection method: clinical testing. Allele origin: unknown.
Comment: This variant is considered benign. This variant is a silent/synonymous amino acid change and it is not expected to impact splicing.

Color Diagnostics, LLC DBA Color Health
Classification: Likely benign for Hereditary cancer-predisposing syndrome. Last evaluated: 2018-08-21. Review status: criteria provided, single submitter. Criteria: ACMG Guidelines, 2015. Collection method: clinical testing. Allele origin: germline.